The following is an entry in ClinVar:

ClinVar aggregate classification (germline): Likely pathogenic (1 of 4 stars; one submission).

Conditions:
Ellis-van Creveld syndrome (EVC). Also called: EVC-Related Ellis-van Creveld Syndrome; EVC2-Related Ellis-van Creveld Syndrome; MESOECTODERMAL DYSPLASIA; Chondroectodermal dysplasia. Identifiers: Orphanet 289, MedGen C0013903, MONDO:0009162, OMIM 225500.

gnomAD v4.1: 5 of 1,613,802 alleles (0.00031%); highest among the groups gnomAD compares: Non-Finnish European, 0.00042%; no homozygotes.

Submission:

Laboratory of Functional Genomics, Research Centre for Medical Genetics
Classification: Likely pathogenic for Ellis-van Creveld syndrome. Review status: criteria provided, single submitter. Criteria: ACMG Guidelines, 2015. Collection method: clinical testing. Allele origin: maternal. Inheritance: Autosomal recessive inheritance. Affected: yes. Observed: 1 compound heterozygote.
Comment: mRNA analysis revealed that c.2063+38G>A creates a cryptic splice site, leading to a 35-nucleotide extension of exon 18 and a consequent frameshift. The majority of these aberrant transcripts are degraded by nonsense-mediated decay (NMD). At the protein level, this splicing aberration leads to a truncation of 439 amino acids (p.Arg689TyrfsTer44). According to the ACMG/AMP guidelines (2015) applying criteria PM2 and PS3, this variant is classified as likely pathogenic.

NM_020779.4(WDR35):c.2063+38G>A

Gene: WDR35 (WD repeat domain 35; minus strand). Cytogenetic location: 2p24.1.
Variant type: single nucleotide variant.
Coding change: c.2063+38G>A on transcript NM_020779.4 (MANE Select); 38 bases into the intron after coding-DNA position 2063, G replaced by A.
Molecular consequence: intron variant.
Genome position (GRCh38, 1-based): chr2:19,938,227, C>T on the plus strand (G>A on the coding strand, the complement: WDR35 is on the minus strand). VCF-style: chr2-19938227-C-T. GRCh37 (hg19) VCF-style: chr2-20137988-C-T.
Other names: c.2096+38G>A (NM_001006657.2).
Identifiers: ClinVar variation 4530699 (VCV004530699.1).